The following is an entry in ClinVar:

ClinVar aggregate classification (germline): Uncertain significance. Review status: criteria provided, multiple submitters, no conflicts (2 of 4 stars). 2 submissions from 2 submitters: Uncertain significance (2). Last evaluated 2024-11-18.

Conditions:
Deficiency of malonyl-CoA decarboxylase. Also called: Malonic aciduria; MCD deficiency. Identifiers: Orphanet 943, MedGen C0342793, MONDO:0009556, OMIM 248360.

Allele frequency attached by ClinVar (database versions not stated): ExAC 0.00001; gnomAD 0.00001; gnomAD exomes 0.00002 and 0.00004; TOPMed 0.00002.
gnomAD v4.1: 13 of 1,613,664 alleles (0.00081%); highest among the groups gnomAD compares: Admixed American, 0.022%; no homozygotes.

Submissions (2):

Labcorp Genetics (formerly Invitae), Labcorp
Classification: Uncertain significance for Deficiency of malonyl-CoA decarboxylase. Last evaluated: 2024-11-18. Review status: criteria provided, single submitter. Criteria: Invitae Variant Classification Sherloc (09022015). Collection method: clinical testing. Allele origin: germline.
Comment: This sequence change replaces asparagine, which is neutral and polar, with aspartic acid, which is acidic and polar, at codon 434 of the MLYCD protein (p.Asn434Asp). This variant is present in population databases (rs758793233, gnomAD 0.03%). This variant has not been reported in the literature in individuals affected with MLYCD-related conditions. ClinVar contains an entry for this variant (Variation ID: 1509223). An algorithm developed to predict the effect of missense changes on protein structure and function (PolyPhen-2) suggests that this variant is likely to be disruptive. In summary, the available evidence is currently insufficient to determine the role of this variant in disease. Therefore, it has been classified as a Variant of Uncertain Significance.

GeneDx
Classification: Uncertain significance. Last evaluated: 2023-12-04. Review status: criteria provided, single submitter. Criteria: GeneDx Variant Classification Process June 2021. Collection method: clinical testing. Allele origin: germline. Affected: yes.
Comment: In silico analysis supports that this missense variant has a deleterious effect on protein structure/function; Has not been previously published as pathogenic or benign to our knowledge

NM_012213.3(MLYCD):c.1300A>G (p.Asn434Asp)

Gene: MLYCD (malonyl-CoA decarboxylase; plus strand). Cytogenetic location: 16q23.3.
Variant type: single nucleotide variant.
Coding change: c.1300A>G on transcript NM_012213.3 (MANE Select); coding-DNA position 1300, A replaced by G.
Protein change: p.Asn434Asp; replaces asparagine 434 with aspartic acid.
Molecular consequence: missense variant.
Genome position (GRCh38, 1-based): chr16:83,915,307, A>G. VCF-style: chr16-83915307-A-G. GRCh37 (hg19) VCF-style: chr16-83948912-A-G.
Other names: c.1300A>G (NM_012213.2); short protein forms N434D.
Identifiers: ClinVar variation 1509223 (VCV001509223.6), dbSNP rs758793233, ClinGen allele CA8197590.